The following is an entry in ClinVar:

NM_014727.3(KMT2B):c.46G>T (p.Ala16Ser)

Gene: KMT2B (lysine methyltransferase 2B; plus strand). Cytogenetic location: 19q13.12.
Variant type: single nucleotide variant.
Coding change: c.46G>T on transcript NM_014727.3 (MANE Select); coding-DNA position 46, G replaced by T.
Protein change: p.Ala16Ser; replaces alanine 16 with serine.
Molecular consequence: missense variant.
Genome position (GRCh38, 1-based): chr19:35,718,064, G>T. VCF-style: chr19-35718064-G-T. GRCh37 (hg19) VCF-style: chr19-36208966-G-T.
Other names: short protein forms A16S.
Identifiers: ClinVar variation 3368572 (VCV003368572.1).

ClinVar aggregate classification (germline): Uncertain significance (1 of 4 stars; one submission).

Submission:

GeneDx
Classification: Uncertain significance. Last evaluated: 2024-02-05. Review status: criteria provided, single submitter. Criteria: GeneDx Variant Classification Process June 2021. Collection method: clinical testing. Allele origin: germline. Affected: yes.
Comment: Not observed at significant frequency in large population cohorts (gnomAD); In silico analysis supports that this missense variant does not alter protein structure/function; Has not been previously published as pathogenic or benign to our knowledge